The following is an entry in ClinVar:

NM_001123385.2(BCOR):c.460G>A (p.Gly154Arg)

Genes: BCOR (BCL6 corepressor; minus strand), LOC126863239 (MED14-independent group 3 enhancer GRCh37_chrX:39932994-39934193; plus strand). Cytogenetic location: Xp11.4.
Variant type: single nucleotide variant.
Coding change: c.460G>A on transcript NM_001123385.2 (MANE Select); coding-DNA position 460, G replaced by A.
Protein change: p.Gly154Arg; replaces glycine 154 with arginine.
Molecular consequence: missense variant.
Genome position (GRCh38, 1-based): chrX:40,074,886, C>T on the plus strand (G>A on the coding strand, the complement: BCOR is on the minus strand). VCF-style: chrX-40074886-C-T. GRCh37 (hg19) VCF-style: chrX-39934139-C-T.
Other names: c.460G>A, p.Gly154Arg (NM_001123383.2, NM_001123384.2, NM_017745.6); short protein forms G154R.
Identifiers: ClinVar variation 1708849 (VCV001708849.3), dbSNP rs2147270632, ClinGen allele CA412748692.

ClinVar aggregate classification (germline): Uncertain significance (1 of 4 stars; one submission).

Submission:

GeneDx
Classification: Uncertain significance. Last evaluated: 2025-07-14. Review status: criteria provided, single submitter. Criteria: GeneDx Variant Classification Process June 2021. Collection method: clinical testing. Allele origin: germline. Affected: yes.
Comment: Not observed at significant frequency in large population cohorts (gnomAD); In silico analysis supports that this missense variant has a deleterious effect on protein structure/function; Has not been previously published as pathogenic or benign to our knowledge